The following is an entry in ClinVar:

NM_015570.4(AUTS2):c.960G>A (p.Pro320=)

Gene: AUTS2 (activator of transcription and developmental regulator AUTS2; plus strand). Cytogenetic location: 7q11.22.
Variant type: single nucleotide variant.
Coding change: c.960G>A on transcript NM_015570.4 (MANE Select); coding-DNA position 960, G replaced by A.
Protein change: p.Pro320=; no amino-acid change (proline 320 retained).
Molecular consequence: synonymous variant.
Genome position (GRCh38, 1-based): chr7:70,763,087, G>A. VCF-style: chr7-70763087-G-A. GRCh37 (hg19) VCF-style: chr7-70228073-G-A.
Other names: c.960G>A, p.Pro320= (NM_001127231.3).
Identifiers: ClinVar variation 2037197 (VCV002037197.28), dbSNP rs769492646, ClinGen allele CA4280521.

ClinVar aggregate classification (germline): Likely benign. Review status: criteria provided, multiple submitters, no conflicts (2 of 4 stars). 2 submissions from 2 submitters: Likely benign (2). Last evaluated 2024-11-19.

Allele frequency attached by ClinVar (database versions not stated): TOPMed 0.00002; gnomAD 0.00003; gnomAD exomes 0.00003; ExAC 0.00004.
gnomAD v4.1: 47 of 1,614,040 alleles (0.0029%); highest among the groups gnomAD compares: East Asian, 0.013%; no homozygotes.

Submissions (2):

Labcorp Genetics (formerly Invitae), Labcorp
Classification: Likely benign. Last evaluated: 2024-11-19. Review status: criteria provided, single submitter. Criteria: Invitae Variant Classification Sherloc (09022015). Collection method: clinical testing. Allele origin: germline.

CeGaT Center for Human Genetics Tuebingen
Classification: Likely benign. Last evaluated: 2024-07-01. Review status: criteria provided, single submitter. Criteria: CeGaT Center For Human Genetics Tuebingen Variant Classification Criteria Version 2. Collection method: clinical testing. Allele origin: germline. Affected: yes. Observed: 2 variant alleles.
Comment: AUTS2: BP4, BP7